The following is an entry in ClinVar:

ClinVar aggregate classification (germline): Conflicting classifications of pathogenicity. Review status: criteria provided, conflicting classifications (1 of 4 stars). 7 submissions from 7 submitters: Likely pathogenic (4); Uncertain significance (2). 1 of the submissions does not count toward it. Last evaluated 2025-12-24.

Conditions:
ARSB-related disorder. Also called: ARSB-related condition.
Mucopolysaccharidosis type 6 (MPS6). Also called: MPS VI; ARSB DEFICIENCY; ARYLSULFATASE B DEFICIENCY; MPS 6; Maroteaux Lamy syndrome; N-ACETYLGALACTOSAMINE-4-SULFATASE DEFICIENCY. Identifiers: Orphanet 583, MedGen C0026709, MONDO:0009661, OMIM 253200.

Allele frequency attached by ClinVar (database versions not stated): ExAC 0.00003; gnomAD 0.00005; TOPMed 0.00005; gnomAD exomes 0.00006 and 0.00021; ESP Exome Variant Server 0.00008; 1000 Genomes Project 30x 0.00016; 1000 Genomes Project 0.00020.

Submissions (7):

Labcorp Genetics (formerly Invitae), Labcorp
Classification: Likely pathogenic for Mucopolysaccharidosis type 6. Last evaluated: 2025-12-24. Review status: criteria provided, single submitter. Criteria: Invitae Variant Classification Sherloc (09022015). Collection method: clinical testing. Allele origin: germline.
Comment: This sequence change replaces arginine, which is basic and polar, with glycine, which is neutral and non-polar, at codon 484 of the ARSB protein (p.Arg484Gly). This variant is present in population databases (rs201101343, gnomAD 0.01%). This missense change has been observed in individual(s) with mucopolysaccharidosis type VI (PMID: 14974081). ClinVar contains an entry for this variant (Variation ID: 189224). Invitae Evidence Modeling of protein sequence and biophysical properties (such as structural, functional, and spatial information, amino acid conservation, physicochemical variation, residue mobility, and thermodynamic stability) indicates that this missense variant is expected to disrupt ARSB protein function with a positive predictive value of 95%. In summary, the currently available evidence indicates that the variant is pathogenic, but additional data are needed to prove that conclusively. Therefore, this variant has been classified as Likely Pathogenic.

Revvity Omics, Revvity
Classification: Uncertain significance for Mucopolysaccharidosis type 6. Last evaluated: 2025-01-10. Review status: criteria provided, single submitter. Criteria: ACMG Guidelines, 2015. Collection method: clinical testing. Allele origin: germline.

PreventionGenetics, part of Exact Sciences
Classification: Uncertain significance for ARSB-related condition. Last evaluated: 2024-12-05. Review status: criteria provided, single submitter. Criteria: ACMG Guidelines, 2015. Collection method: clinical testing. Allele origin: germline.
Comment: The ARSB c.1450A>G variant is predicted to result in the amino acid substitution p.Arg484Gly. This variant was reported in an individual with mucopolysaccharidosis VI (Karageorgos et al. 2004. PubMed ID: 14974081). It was found along with a second pathogenic change, and functional studies supported its pathogenicity; however, phase was unknown. This variant is reported in 0.013% of alleles in individuals of European (Non-Finnish) descent in gnomAD. Although we suspect that this variant may be pathogenic, at this time, the clinical significance of this variant is uncertain due to the absence of conclusive functional and genetic evidence.

Fulgent Genetics
Classification: Likely pathogenic for Mucopolysaccharidosis type 6. Last evaluated: 2024-05-10. Review status: criteria provided, single submitter. Criteria: ACMG Guidelines, 2015. Collection method: clinical testing. Allele origin: germline.

Blueprint Genetics
Classification: Likely pathogenic for ARSB-related disorders. Last evaluated: 2023-12-28. Review status: criteria provided, single submitter. Criteria: ACMG Guidelines, 2015. Collection method: clinical testing. Allele origin: germline. Affected: yes. Observed: 5 variant alleles.

Laboratory for Molecular Medicine, Mass General Brigham Personalized Medicine
Classification: Likely pathogenic for Mucopolysaccharidosis type VI (Maroteaux-Lamy). Last evaluated: 2014-03-03. Review status: criteria provided, single submitter. Criteria: LMM Criteria. Collection method: clinical testing. Allele origin: germline. Inheritance: Autosomal recessive inheritance. Observed: 1 variant allele. Study: CSER-MedSeq.
Comment: The Arg484Gly variant in ARSB has been reported in a patient with mucopolysaccharidosis type VI who also carried a pathogenic variant in trans (compound heterozygous) (Karageorgos et al, 2004). The Arg484Gly variant has been identified in 0.046% (1/2178) of the 1000 Genomes population. However, the presence of this variant in trans configuration with a reported pathogenic variant in an individual with clinical features of mucopolysaccharidosis type VI, increases the likelihood that the Arg484Gly variant is pathogenic. In addition, ARSB protein was not detected by an immunologic quantification assay supporting a deleterious impact to protein function (Karageorgos et al, 2004). In summary, the Arg484Gly variant is likely pathogenic for mucopolysaccharidosis type VI in a recessive manner.

Laboratory of Diagnosis and Therapy of Lysosomal Disorders, University of Padova
Classification: Uncertain significance for Mucopolysaccharidosis type 6. Last evaluated: 2018-01-01. Review status: flagged submission. Criteria: ACMG Guidelines, 2015. Collection method: curation. Allele origin: germline. Affected: yes. Not counted in ClinVar's aggregate classification.
Comment: Very low frequency in GnomAD(PM2)
ClinVar note: Reason: Outlier claim with insufficient supporting evidence

Literature cited by the submitters: PubMed 14974081 (cited by Labcorp Genetics (formerly Invitae), Labcorp and Laboratory for Molecular Medicine, Mass General Brigham Personalized Medicine); PubMed 17458871 (cited by Laboratory of Diagnosis and Therapy of Lysosomal Disorders, University of Padova); PubMed 30118150 (cited by Laboratory of Diagnosis and Therapy of Lysosomal Disorders, University of Padova).

NM_000046.5(ARSB):c.1450A>G (p.Arg484Gly)

Gene: ARSB (arylsulfatase B; minus strand). Cytogenetic location: 5q14.1.
Variant type: single nucleotide variant.
Coding change: c.1450A>G on transcript NM_000046.5 (MANE Select); coding-DNA position 1450, A replaced by G.
Protein change: p.Arg484Gly; replaces arginine 484 with glycine.
Molecular consequence: missense variant.
Genome position (GRCh38, 1-based): chr5:78,780,549, T>C on the plus strand (A>G on the coding strand, the complement: ARSB is on the minus strand). VCF-style: chr5-78780549-T-C. GRCh37 (hg19) VCF-style: chr5-78076372-T-C.
Other names: short protein forms R484G.
Identifiers: ClinVar variation 189224 (VCV000189224.16), dbSNP rs201101343, ClinGen allele CA199152.